The following is an entry in ClinVar:

ClinVar aggregate classification (germline): Likely pathogenic. Review status: criteria provided, single submitter (1 of 4 stars). 2 submissions from 2 submitters: Likely pathogenic (1). 1 of the submissions does not count toward it. Last evaluated 2024-05-23.

Conditions:
Short QT syndrome type 2. Identifiers: Orphanet 51083, MedGen C1865019, MONDO:0012313, OMIM 609621.
Jervell and Lange-Nielsen syndrome 1 (JLNS1). Also called: CARDIOAUDITORY SYNDROME OF JERVELL AND LANGE-NIELSEN; DEAFNESS, CONGENITAL, AND FUNCTIONAL HEART DISEASE; SURDO-CARDIAC SYNDROME; PROLONGED QT INTERVAL IN EKG AND SUDDEN DEATH. Identifiers: Orphanet 768, Orphanet 90647, MedGen C4551509, MONDO:0024540, OMIM 220400.
Atrial fibrillation, familial, 3 (ATFB3). Identifiers: MedGen C1837014, MONDO:0011857, OMIM 607554.
Long QT syndrome 1 (LQT1). Identifiers: Orphanet 101016, Orphanet 768, MedGen C4551647, MONDO:0100316, OMIM 192500, MONDO:0008646.

Submissions (2):

Fulgent Genetics
Classification: Likely pathogenic for Long QT syndrome 1; Jervell and Lange-Nielsen syndrome 1; Atrial fibrillation, familial, 3; Short QT syndrome type 2. Last evaluated: 2024-05-23. Review status: criteria provided, single submitter. Criteria: ACMG Guidelines, 2015. Collection method: clinical testing. Allele origin: germline.

Division of Laboratory Medicine and Clinical Genetics, Chiba University Hospital
Classification: Pathogenic for Jervell and Lange-Nielsen syndrome 1. Last evaluated: 2017-01-05. Review status: no assertion criteria provided. Collection method: clinical testing. Allele origin: germline. Inheritance: Autosomal recessive inheritance. Affected: yes. Observed: 1 variant allele, 1 homozygote. Not counted in ClinVar's aggregate classification.
Comment: The single nucleotide substitution results in a nonsense mutation.

Literature cited by the submitters: PubMed 28595573 (cited by Division of Laboratory Medicine and Clinical Genetics, Chiba University Hospital).

NM_000218.3(KCNQ1):c.115G>T (p.Glu39Ter)

Gene: KCNQ1 (potassium voltage-gated channel subfamily Q member 1; plus strand). Cytogenetic location: 11p15.5.
Variant type: single nucleotide variant.
Coding change: c.115G>T on transcript NM_000218.3 (MANE Select); coding-DNA position 115, G replaced by T.
Protein change: p.Glu39Ter; replaces glutamic acid 39 with a stop codon.
Molecular consequence: nonsense.
Genome position (GRCh38, 1-based): chr11:2,445,213, G>T. VCF-style: chr11-2445213-G-T. GRCh37 (hg19) VCF-style: chr11-2466443-G-T.
Other names: short protein forms E39*.
Identifiers: ClinVar variation 375455 (VCV000375455.2), dbSNP rs1554958045, ClinGen allele CA379116229.